The following is an entry in ClinVar:

ClinVar aggregate classification (germline): Uncertain significance (1 of 4 stars; one submission).

Submission:

GeneDx
Classification: Uncertain significance. Last evaluated: 2024-04-29. Review status: criteria provided, single submitter. Criteria: GeneDx Variant Classification Process June 2021. Collection method: clinical testing. Allele origin: germline.
Comment: Not observed in large population cohorts (gnomAD); Nonsense variant predicted to result in protein truncation or nonsense mediated decay in a gene or region of a gene for which loss of function is not a well-established mechanism of disease; Has not been previously published as pathogenic or benign to our knowledge; Variants in candidate genes are classified as variants of uncertain significance in accordance with ACMG guidelines (PMID: 25741868)

NM_001377229.1(DISP1):c.3630T>G (p.Tyr1210Ter)

Gene: DISP1 (dispatched RND transporter family member 1; plus strand). Cytogenetic location: 1q41.
Variant type: single nucleotide variant.
Coding change: c.3630T>G on transcript NM_001377229.1 (MANE Select); coding-DNA position 3630, T replaced by G.
Protein change: p.Tyr1210Ter; replaces tyrosine 1210 with a stop codon.
Molecular consequence: nonsense.
Genome position (GRCh38, 1-based): chr1:223,005,027, T>G. VCF-style: chr1-223005027-T-G. GRCh37 (hg19) VCF-style: chr1-223178369-T-G.
Other names: c.2901T>G, p.Tyr967Ter (NM_001350630.2); c.3630T>G, p.Tyr1210Ter (NM_001369594.1, NM_001377228.1, NM_032890.5); short protein forms Y1210*, Y967*.
Identifiers: ClinVar variation 4888213 (VCV004888213.1).